The following is an entry in ClinVar:

NM_152617.4(RNF168):c.377del (p.Lys126fs)

Gene: RNF168 (ring finger protein 168; minus strand). Cytogenetic location: 3q29.
Variant type: Deletion.
Coding change: c.377del on transcript NM_152617.4 (MANE Select); coding-DNA position 377, one base deleted (A; older notation c.377delA).
Protein change: p.Lys126fs; shifts the reading frame from lysine 126.
Molecular consequence: frameshift variant.
Genome position (GRCh38, 1-based): chr3:196,488,608, T deleted on the plus strand (A on the coding strand, the reverse complement: RNF168 is on the minus strand); the first of 2 consecutive T bases (chr3:196,488,608-196,488,609); deleting either gives the same sequence. VCF-style (leftmost placement, unchanged base first): chr3-196488607-CT-C. GRCh37 (hg19) VCF-style: chr3-196215478-CT-C.
Other names: short protein forms K126fs.
Identifiers: ClinVar variation 3683421 (VCV003683421.2).
Genomic context (GRCh38, chr3:196,488,607, plus strand): 5'-ATCTGAAACTAAAAACACAGCAGAGAAATATTCCAAAAAAAAAAACTATTTAGCACCTAC[CT>C]TGCTTATTTCCTCTTCATATTCTCTTCTCAGTTCCCCAGGTTTACTGAGCAGACGAACTG-3'

ClinVar aggregate classification (germline): Pathogenic (1 of 4 stars; one submission).

Submission:

Labcorp Genetics (formerly Invitae), Labcorp
Classification: Pathogenic. Last evaluated: 2024-06-19. Review status: criteria provided, single submitter. Criteria: Invitae Variant Classification Sherloc (09022015). Collection method: clinical testing. Allele origin: germline.
Comment: This sequence change creates a premature translational stop signal (p.Lys126Argfs*47) in the RNF168 gene. It is expected to result in an absent or disrupted protein product. Loss-of-function variants in RNF168 are known to be pathogenic (PMID: 19203578, 21394101). This variant is present in population databases (rs763609874, gnomAD 0.007%). This variant has not been reported in the literature in individuals affected with RNF168-related conditions. For these reasons, this variant has been classified as Pathogenic.

Literature cited by the submitters: PubMed 19203578; PubMed 21394101.